The following is an entry in ClinVar:

ClinVar aggregate classification (germline): Uncertain significance. Review status: criteria provided, multiple submitters, no conflicts (2 of 4 stars). 2 submissions from 2 submitters: Uncertain significance (2). Last evaluated 2025-09-24.

Conditions:
Epidermodysplasia verruciformis. Identifiers: Orphanet 302, MedGen C0014522, MONDO:0009176.
Inborn genetic diseases. Identifiers: MedGen C0950123, MeSH D030342.

Allele frequency attached by ClinVar (database versions not stated): TOPMed 0.00001; gnomAD 0.00002; gnomAD exomes 0.00007; ExAC 0.00016.
gnomAD v4.1: 113 of 1,613,920 alleles (0.007%); highest among the groups gnomAD compares: Middle Eastern, 0.13%; no homozygotes.

Submissions (2):

Ambry Genetics
Classification: Uncertain significance for Inborn genetic diseases. Last evaluated: 2025-09-24. Review status: criteria provided, single submitter. Criteria: Ambry Variant Classification Scheme 2023. Collection method: clinical testing. Allele origin: germline.

Labcorp Genetics (formerly Invitae), Labcorp
Classification: Uncertain significance for Epidermodysplasia verruciformis. Last evaluated: 2022-04-25. Review status: criteria provided, single submitter. Criteria: Invitae Variant Classification Sherloc (09022015). Collection method: clinical testing. Allele origin: germline.
Comment: This sequence change replaces glycine, which is neutral and non-polar, with tryptophan, which is neutral and slightly polar, at codon 599 of the TMC6 protein (p.Gly599Trp). This variant is present in population databases (rs779095021, gnomAD 0.09%). This variant has not been reported in the literature in individuals affected with TMC6-related conditions. Algorithms developed to predict the effect of missense changes on protein structure and function are either unavailable or do not agree on the potential impact of this missense change (SIFT: "Not Available"; PolyPhen-2: "Probably Damaging"; Align-GVGD: "Not Available"). In summary, the available evidence is currently insufficient to determine the role of this variant in disease. Therefore, it has been classified as a Variant of Uncertain Significance.

NM_001127198.5(TMC6):c.1795G>T (p.Gly599Trp)

Gene: TMC6 (transmembrane channel like 6; minus strand). Cytogenetic location: 17q25.3.
Variant type: single nucleotide variant.
Coding change: c.1795G>T on transcript NM_001127198.5 (MANE Select); coding-DNA position 1795, G replaced by T.
Protein change: p.Gly599Trp; replaces glycine 599 with tryptophan.
Molecular consequence: missense variant. On other transcripts: non-coding transcript variant (4).
Genome position (GRCh38, 1-based): chr17:78,119,313, C>A on the plus strand (G>T on the coding strand, the complement: TMC6 is on the minus strand). VCF-style: chr17-78119313-C-A. GRCh37 (hg19) VCF-style: chr17-76115394-C-A.
Other names: c.1795G>T, p.Gly599Trp (NM_001321185.1, NM_001374596.1, NM_001375353.1 and 2 more transcripts); c.1615G>T, p.Gly539Trp (NM_001374593.1, NM_001374594.1); short protein forms G599W, G539W.
Identifiers: ClinVar variation 2164914 (VCV002164914.2), dbSNP rs779095021, ClinGen allele CA8795569.